The following is an entry in ClinVar:

ClinVar aggregate classification (germline): Conflicting classifications of pathogenicity. Review status: criteria provided, conflicting classifications (1 of 4 stars). 6 submissions from 6 submitters: Uncertain significance (4); Likely benign (1). 1 of the submissions does not count toward it. Last evaluated 2026-01-03.

Conditions:
Retinal dystrophy. Also called: Inherited retinal dystrophy. Identifiers: Orphanet 71862, MedGen C0854723, MeSH D058499, MONDO:0019118, HP:0000556.
Retinitis pigmentosa 43 (RP43). Identifiers: Orphanet 791, MedGen C3151139, MONDO:0013437, OMIM 613810.

Allele frequency attached by ClinVar (database versions not stated): ESP Exome Variant Server 0.00015; ExAC 0.00016; gnomAD exomes 0.00016 and 0.00010; TOPMed 0.00032; gnomAD 0.00038 and 0.00042; 1000 Genomes Project 0.00100; 1000 Genomes Project 30x 0.00141.
gnomAD v4.1: 219 of 1,614,176 alleles (0.014%); highest among the groups gnomAD compares: African/African-American, 0.12%; 1 homozygote.

Submissions (6):

Labcorp Genetics (formerly Invitae), Labcorp
Classification: Likely benign. Last evaluated: 2026-01-03. Review status: criteria provided, single submitter. Criteria: Invitae Variant Classification Sherloc (09022015). Collection method: clinical testing. Allele origin: germline.

Blueprint Genetics
Classification: Uncertain significance. Last evaluated: 2024-05-28. Review status: criteria provided, single submitter. Criteria: ACMG Guidelines, 2015. Collection method: clinical testing. Allele origin: germline.

GeneDx
Classification: Uncertain significance. Last evaluated: 2024-04-24. Review status: criteria provided, single submitter. Criteria: GeneDx Variant Classification Process June 2021. Collection method: clinical testing. Allele origin: germline. Affected: yes.
Comment: Observed in the heterozygous state in a patient with Leber congenital amaurosis in published literature, although this patient was also hemizygous for a variant in the CACNA1F gene which was considered responsible for the phenotype (PMID: 29062221); In silico analysis supports that this missense variant has a deleterious effect on protein structure/function; This variant is associated with the following publications: (PMID: 29062221)

Department of Pathology and Laboratory Medicine, Sinai Health System
Classification: Uncertain significance for Retinitis pigmentosa 43. Last evaluated: 2022-03-30. Review status: criteria provided, single submitter. Criteria: ACMG Guidelines, 2015. Collection method: research. Allele origin: germline.

Eurofins Ntd Llc (ga)
Classification: Uncertain significance. Last evaluated: 2014-11-07. Review status: criteria provided, single submitter. Criteria: EGL Classification Definitions 2015. Collection method: clinical testing. Allele origin: germline. Observed: 1 variant allele, 1 heterozygote.

Institute of Human Genetics, Univ. Regensburg, Univ. Regensburg
Classification: Uncertain significance for Retinal dystrophy. Last evaluated: 2022-01-01. Review status: no assertion criteria provided. Criteria: ACMG Guidelines, 2015. Collection method: clinical testing. Allele origin: germline. Affected: yes. Not counted in ClinVar's aggregate classification.

NM_000440.3(PDE6A):c.1214A>G (p.Asn405Ser)

Gene: PDE6A (phosphodiesterase 6A; minus strand). Cytogenetic location: 5q32.
Variant type: single nucleotide variant.
Coding change: c.1214A>G on transcript NM_000440.3 (MANE Select); coding-DNA position 1214, A replaced by G.
Protein change: p.Asn405Ser; replaces asparagine 405 with serine.
Molecular consequence: missense variant.
Genome position (GRCh38, 1-based): chr5:149,899,424, T>C on the plus strand (A>G on the coding strand, the complement: PDE6A is on the minus strand). VCF-style: chr5-149899424-T-C. GRCh37 (hg19) VCF-style: chr5-149278987-T-C.
Other names: short protein forms N405S.
Identifiers: ClinVar variation 199022 (VCV000199022.16), dbSNP rs145107955, ClinGen allele CA247977.
Genomic context (GRCh38, chr5:149,899,424, plus strand): 5'-GCAAGCCATACCTCCATGAGCGTCTCATCCATTTCATCAAAGGGCTTCCCATCTTTACGA[T>C]TGTAAAATGTGGCCACTCCAACAATTTCTTCCTTCTTGTTCACAATCGGCATTGAAAGCA-3'
Protein context (NP_000431.2, residues 395-415): EEIVGVATFY[Asn405Ser]RKDGKPFDEM